The following is an entry in ClinVar:

ClinVar aggregate classification (germline): Likely pathogenic (1 of 4 stars; one submission).

Conditions:
Hereditary spastic paraplegia. Also called: Familial spastic paraparesis. Identifiers: Orphanet 685, MedGen C0037773, MONDO:0019064. Disease mechanism: loss of function.

Submission:

Women's Health and Genetics/Laboratory Corporation of America, LabCorp
Classification: Likely pathogenic for Hereditary spastic paraplegia. Last evaluated: 2025-03-25. Review status: criteria provided, single submitter. Criteria: LabCorp Variant Classification Summary - May 2015. Collection method: clinical testing. Allele origin: germline.
Comment: Variant summary: CYP7B1 c.1249C>G (p.Arg417Gly) results in a non-conservative amino acid change in the encoded protein sequence. Five of five in-silico tools predict a damaging effect of the variant on protein function. The variant was absent in 249878 control chromosomes. c.1249C>G has been reported in the literature in individuals affected with Hereditary Spastic Paraplegia (example: Cao_2011). Other variants affecting this residue have been classified pathogenic, suggesting this amino acid is critical for the normal function of the protein (CV ID 586668,6103). No submitters have cited clinical-significance assessments for this variant to ClinVar. The following publication has been ascertained in the context of this evaluation (PMID: 21452256). Based on the evidence outlined above, the variant was classified as likely pathogenic.

Literature cited by the submitters: PubMed 21452256.

NM_004820.5(CYP7B1):c.1249C>G (p.Arg417Gly)

Gene: CYP7B1 (cytochrome P450 family 7 subfamily B member 1; minus strand). Cytogenetic location: 8q12.3.
Variant type: single nucleotide variant.
Coding change: c.1249C>G on transcript NM_004820.5 (MANE Select); coding-DNA position 1249, C replaced by G.
Protein change: p.Arg417Gly; replaces arginine 417 with glycine.
Molecular consequence: missense variant. On other transcripts: intron variant (1).
Genome position (GRCh38, 1-based): chr8:64,596,914, G>C on the plus strand (C>G on the coding strand, the complement: CYP7B1 is on the minus strand). VCF-style: chr8-64596914-G-C. GRCh37 (hg19) VCF-style: chr8-65509471-G-C.
Other names: c.1234-7070C>G (NM_001324112.2); short protein forms R417G.
Identifiers: ClinVar variation 3895980 (VCV003895980.1).